The following is an entry in ClinVar:

NM_001014987.2(LAT):c.318T>C (p.Ser106=)

Gene: LAT (linker for activation of T cells; plus strand). Cytogenetic location: 16p11.2.
Variant type: single nucleotide variant.
Coding change: c.318T>C on transcript NM_001014987.2 (MANE Select); coding-DNA position 318, T replaced by C.
Protein change: p.Ser106=; no amino-acid change (serine 106 retained).
Molecular consequence: synonymous variant.
Genome position (GRCh38, 1-based): chr16:28,986,547, T>C. VCF-style: chr16-28986547-T-C. GRCh37 (hg19) VCF-style: chr16-28997868-T-C.
Other names: c.315T>C, p.Ser105= (NM_001014988.2); c.426T>C, p.Ser142= (NM_001014989.2); c.318T>C, p.Ser106= (NM_014387.4).
Identifiers: ClinVar variation 1168087 (VCV001168087.37), dbSNP rs140327086, ClinGen allele CA7989947.
Genomic context (GRCh38, chr16:28,986,547, plus strand): 5'-AAGATAGGCCTGGCCTGAGCTGACTTAGTCTCCCTCTCACCCTCTCTTTGAAGCCAACAG[T>C]GTGGCGAGCTACGAGAACGAGGGTGCGTCTGGGATCCGAGGTGCCCAGGCTGGGTGGGGA-3'
Protein context (NP_001014987.1, residues 96-116): SSRRDSDGAN[Ser106=]VASYENEEPA

ClinVar aggregate classification (germline): Benign/Likely benign. Review status: criteria provided, multiple submitters, no conflicts (2 of 4 stars). 8 submissions from 8 submitters: Benign (3); Likely benign (3). 2 of the submissions do not count toward it. Last evaluated 2026-09-01.

Conditions:
Severe combined immunodeficiency due to LAT deficiency. Also called: Immunodeficiency 52. Identifiers: Orphanet 504523, MedGen C4479588, MONDO:0044721, OMIM 617514.

Allele frequency attached by ClinVar (database versions not stated): 1000 Genomes Project 30x 0.00078; 1000 Genomes Project 0.00080; ExAC 0.00274; gnomAD 0.00278 and 0.00284; gnomAD exomes 0.00280 and 0.00301; ESP Exome Variant Server 0.00292; TOPMed 0.00294.
gnomAD v4.1: 4,867 of 1,612,038 alleles (0.3%); highest among the groups gnomAD compares: Middle Eastern, 1.1%; 14 homozygotes.

Submissions (8):

CeGaT Center for Human Genetics Tuebingen
Classification: Likely benign. Last evaluated: 2026-09-01. Review status: criteria provided, single submitter. Criteria: CeGaT Center For Human Genetics Tuebingen Variant Classification Criteria Version 2. Collection method: clinical testing. Allele origin: germline. Affected: yes. Observed: 3 variant alleles.
Comment: LAT: BP4, BP7, BS2

Women's Health and Genetics/Laboratory Corporation of America, LabCorp
Classification: Benign. Last evaluated: 2026-04-15. Review status: criteria provided, single submitter. Criteria: LabCorp Variant Classification Summary - May 2015. Collection method: clinical testing. Allele origin: germline.

Labcorp Genetics (formerly Invitae), Labcorp
Classification: Benign. Last evaluated: 2026-02-01. Review status: criteria provided, single submitter. Criteria: Invitae Variant Classification Sherloc (09022015). Collection method: clinical testing. Allele origin: germline.

Blueprint Genetics
Classification: Likely benign. Last evaluated: 2024-11-26. Review status: criteria provided, single submitter. Criteria: ACMG Guidelines, 2015. Collection method: clinical testing. Allele origin: germline.

Fulgent Genetics
Classification: Likely benign for Severe combined immunodeficiency due to LAT deficiency. Last evaluated: 2021-10-19. Review status: criteria provided, single submitter. Criteria: ACMG Guidelines, 2015. Collection method: clinical testing. Allele origin: unknown.

Breakthrough Genomics
Classification: Benign. Review status: criteria provided, single submitter. Criteria: ACMG Guidelines, 2015. Collection method: not provided. Allele origin: germline. Inheritance: Autosomal recessive inheritance. Affected: yes.

Clinical Genetics DNA and cytogenetics Diagnostics Lab, Erasmus MC, Erasmus Medical Center
Classification: Likely benign. Review status: no assertion criteria provided. Collection method: clinical testing. Allele origin: germline. Affected: yes. Study: VKGL Data-share Consensus. Not counted in ClinVar's aggregate classification.

Genome Diagnostics Laboratory, University Medical Center Utrecht
Classification: Likely benign. Review status: no assertion criteria provided. Collection method: clinical testing. Allele origin: germline. Affected: yes. Study: VKGL Data-share Consensus. Not counted in ClinVar's aggregate classification.